The following is an entry in ClinVar:

NM_020631.6(PLEKHG5):c.2163G>T (p.Glu721Asp)

Gene: PLEKHG5 (pleckstrin homology and RhoGEF domain containing G5; minus strand). Cytogenetic location: 1p36.31.
Variant type: single nucleotide variant.
Coding change: c.2163G>T on transcript NM_020631.6 (MANE Select); coding-DNA position 2163, G replaced by T.
Protein change: p.Glu721Asp; replaces glutamic acid 721 with aspartic acid.
Molecular consequence: missense variant.
Genome position (GRCh38, 1-based): chr1:6,469,128, C>A on the plus strand (G>T on the coding strand, the complement: PLEKHG5 is on the minus strand). VCF-style: chr1-6469128-C-A. GRCh37 (hg19) VCF-style: chr1-6529188-C-A.
Other names: c.2274G>T, p.Glu758Asp (NM_001042663.3, NM_001265592.2); c.2163G>T, p.Glu721Asp (NM_001042664.2, NM_001042665.2, NM_001265594.3 and 1 more transcripts); c.2370G>T, p.Glu790Asp (NM_001265593.2); short protein forms E721D, E790D, E758D.
Identifiers: ClinVar variation 853720 (VCV000853720.6), dbSNP rs62639695, ClinGen allele CA17234894.
Genomic context (GRCh38, chr1:6,469,128, plus strand): 5'-GCTTTTCCGCATGATGGTAGGGGAGCTGGCAGCTGAAGTGCCACTGTCCTCGCCTTCCTC[C>A]TCCTCCTCCTCCTCCTCCTCTTCCTCCTCCTGCTCATCCTCCTCCTCTTCCAGGCTCTGC-3'
Protein context (NP_065682.2, residues 711-731): QEEEEEEEEE[Glu721Asp]EEGEDSGTSA

ClinVar aggregate classification (germline): Uncertain significance (1 of 4 stars; one submission).

Conditions:
Neuronopathy, distal hereditary motor, autosomal recessive 4. Also called: NEUROPATHY, DISTAL HEREDITARY MOTOR, AUTOSOMAL RECESSIVE 4; Autosomal recessive lower motor neuron disease with childhood onset. Identifiers: Orphanet 206580, MedGen C1970211, MONDO:0012608, OMIM 611067.
Charcot-Marie-Tooth disease recessive intermediate C. Also called: CHARCOT-MARIE-TOOTH NEUROPATHY, RECESSIVE INTERMEDIATE C. Identifiers: Orphanet 369867, MedGen C3809309, MONDO:0014154, OMIM 615376.

Submission:

Labcorp Genetics (formerly Invitae), Labcorp
Classification: Uncertain significance for Neuronopathy, distal hereditary motor, autosomal recessive 4; Charcot-Marie-Tooth disease recessive intermediate C. Last evaluated: 2020-05-31. Review status: criteria provided, single submitter. Criteria: Invitae Variant Classification Sherloc (09022015). Collection method: clinical testing. Allele origin: germline.
Comment: In summary, the available evidence is currently insufficient to determine the role of this variant in disease. Therefore, it has been classified as a Variant of Uncertain Significance. Algorithms developed to predict the effect of missense changes on protein structure and function (SIFT, PolyPhen-2, Align-GVGD) all suggest that this variant is likely to be tolerated, but these predictions have not been confirmed by published functional studies and their clinical significance is uncertain. This variant has not been reported in the literature in individuals with PLEKHG5-related conditions. This variant is not present in population databases (ExAC no frequency). This sequence change replaces glutamic acid with aspartic acid at codon 721 of the PLEKHG5 protein (p.Glu721Asp). The glutamic acid residue is weakly conserved and there is a small physicochemical difference between glutamic acid and aspartic acid.